The following is an entry in ClinVar:

NM_001382508.1(DROSHA):c.2683-1G>T

Gene: DROSHA (drosha ribonuclease III; minus strand). Cytogenetic location: 5p13.3.
Variant type: single nucleotide variant.
Coding change: c.2683-1G>T on transcript NM_001382508.1 (MANE Select); the canonical splice acceptor site of the intron before coding-DNA position 2683, G replaced by T.
Molecular consequence: splice acceptor variant.
Genome position (GRCh38, 1-based): chr5:31,449,420, C>A on the plus strand (G>T on the coding strand, the complement: DROSHA is on the minus strand). VCF-style: chr5-31449420-C-A. GRCh37 (hg19) VCF-style: chr5-31449527-C-A.
Other names: c.2683-1G>T (NM_013235.5); c.2572-1G>T (NM_001100412.2).
Identifiers: ClinVar variation 3393493 (VCV003393493.1).
Genomic context (GRCh38, chr5:31,449,420, plus strand): 5'-CCTGGCATGATCAGGATTCATTCCAAAATTTAAATGATGACTTGGATGAGTCATGGCCAG[C>A]TAAAATTTCAATGAAATAAGTTCAGTCTTTAAAACAGCATAAACTGGGTGCAGTGGCTCA-3'

ClinVar aggregate classification (oncogenicity): Likely oncogenic (0 of 4 stars; one submission).

Conditions:
Pineoblastoma. Identifiers: Orphanet 251909, MedGen C0205898, MONDO:0016722, HP:0030408.

Submission:

Center for Precision Oncology and Cancer Prevention, Roswell Park Comprehensive Cancer Center
Classification: Likely oncogenic for Pineoblastoma. Last evaluated: 2024-11-22. Review status: no assertion criteria provided. Collection method: clinical testing. Allele origin: somatic. Affected: yes. Observed: 1 variant allele.